The following is an entry in ClinVar:

ClinVar aggregate classification (germline): Conflicting classifications of pathogenicity. Review status: criteria provided, conflicting classifications (1 of 4 stars). 3 submissions from 3 submitters: Uncertain significance (2); Likely benign (1). Last evaluated 2024-02-23.

Conditions:
Hereditary cancer-predisposing syndrome. Also called: Hereditary Cancer Syndrome; Hereditary neoplastic syndrome; Tumor predisposition; Neoplastic Syndromes, Hereditary. Identifiers: Orphanet 140162, MedGen C0027672, MeSH D009386, MONDO:0015356.
Hereditary breast ovarian cancer syndrome. Also called: Hereditary breast and ovarian cancer syndrome (HBOC); Hereditary breast and ovarian cancer; BRCA1- and BRCA2-Associated Hereditary Breast and Ovarian Cancer; Breast and ovarian cancer; Hereditary breast and ovarian cancer syndrome; Hereditary breast and/or ovarian cancer syndrome. Identifiers: Orphanet 145, MedGen C0677776, MeSH D061325, MONDO:0003582. Disease mechanism: loss of function.

Submissions (3):

Labcorp Genetics (formerly Invitae), Labcorp
Classification: Uncertain significance for Hereditary breast ovarian cancer syndrome. Last evaluated: 2024-02-23. Review status: criteria provided, single submitter. Criteria: Invitae Variant Classification Sherloc (09022015). Collection method: clinical testing. Allele origin: germline.
Comment: This sequence change replaces glutamic acid, which is acidic and polar, with glutamine, which is neutral and polar, at codon 809 of the BRCA1 protein (p.Glu809Gln). This variant is not present in population databases (gnomAD no frequency). This variant has not been reported in the literature in individuals affected with BRCA1-related conditions. ClinVar contains an entry for this variant (Variation ID: 1791084). Advanced modeling of protein sequence and biophysical properties (such as structural, functional, and spatial information, amino acid conservation, physicochemical variation, residue mobility, and thermodynamic stability) performed at Invitae indicates that this missense variant is not expected to disrupt BRCA1 protein function with a negative predictive value of 95%. In summary, the available evidence is currently insufficient to determine the role of this variant in disease. Therefore, it has been classified as a Variant of Uncertain Significance.

University of Washington Department of Laboratory Medicine, University of Washington
Classification: Likely benign for Hereditary cancer-predisposing syndrome. Last evaluated: 2023-03-23. Review status: criteria provided, single submitter. Criteria: Dines et al. (Genet Med. 2020). Collection method: curation. Allele origin: germline.
Comment: Missense variant in a coldspot region where missense variants are very unlikely to be pathogenic (PMID:31911673).

BRCA1 coldspot (exon 11 using historical exon numbering). Reclassification based on statistical prior probability

Ambry Genetics
Classification: Uncertain significance for Hereditary cancer-predisposing syndrome. Last evaluated: 2019-04-15. Review status: criteria provided, single submitter. Criteria: Ambry Variant Classification Scheme 2023. Collection method: clinical testing. Allele origin: germline.
Comment: The p.E809Q variant (also known as c.2425G>C), located in coding exon 9 of the BRCA1 gene, results from a G to C substitution at nucleotide position 2425. The glutamic acid at codon 809 is replaced by glutamine, an amino acid with highly similar properties. This amino acid position is not well conserved in available vertebrate species. In addition, p.E809Q is predicted to be probably damaging and deleterious by PolyPhen and SIFT in silico analyses, respectively. Since supporting evidence is limited at this time, the clinical significance of this alteration remains unclear.

NM_007294.4(BRCA1):c.2425G>C (p.Glu809Gln)

Gene: BRCA1 (BRCA1 DNA repair associated; minus strand). Cytogenetic location: 17q21.31.
Variant type: single nucleotide variant.
Coding change: c.2425G>C on transcript NM_007294.4 (MANE Select); coding-DNA position 2425, G replaced by C.
Protein change: p.Glu809Gln; replaces glutamic acid 809 with glutamine.
Molecular consequence: missense variant. On other transcripts: intron variant (137).
Genome position (GRCh38, 1-based): chr17:43,093,106, C>G on the plus strand (G>C on the coding strand, the complement: BRCA1 is on the minus strand). VCF-style: chr17-43093106-C-G. GRCh37 (hg19) VCF-style: chr17-41245123-C-G.
Other names: c.577+1638G>C (NM_001408513.1, NM_001408489.1, NM_001408479.1 and 9 more transcripts); c.520+1638G>C (NM_001408503.1, NM_001408505.1, NM_001408504.1); c.523+1638G>C (NM_001408500.1, NM_001408497.1, NM_001408496.1 and 3 more transcripts); c.646+1638G>C (NM_001408466.1, NM_001408452.1, NM_001408457.1 and 11 more transcripts); c.787+1638G>C (NM_001407973.1, NM_001408403.1, NM_001407983.1 and 17 more transcripts); c.404-2074G>C (NM_001408511.1); c.461-2074G>C (NM_001408507.1, NM_001408506.1); c.545-2074G>C (NM_001408495.1); and 41 more; short protein forms E513Q, E681Q, E739Q, E721Q, E762Q, E768Q, E782Q, E808Q.
Identifiers: ClinVar variation 1791084 (VCV001791084.6), dbSNP rs786204151, ClinGen allele CA10597161.